The following is an entry in ClinVar:

NM_018136.5(ASPM):c.9675T>C (p.Asp3225=)

Gene: ASPM (assembly factor for spindle microtubules; minus strand). Cytogenetic location: 1q31.3.
Variant type: single nucleotide variant.
Coding change: c.9675T>C on transcript NM_018136.5 (MANE Select); coding-DNA position 9675, T replaced by C.
Protein change: p.Asp3225=; no amino-acid change (aspartic acid 3225 retained).
Molecular consequence: synonymous variant.
Genome position (GRCh38, 1-based): chr1:197,090,350, A>G on the plus strand (T>C on the coding strand, the complement: ASPM is on the minus strand). VCF-style: chr1-197090350-A-G. GRCh37 (hg19) VCF-style: chr1-197059480-A-G.
Other names: c.4920T>C, p.Asp1640= (NM_001206846.2).
Identifiers: ClinVar variation 3029829 (VCV003029829.2), dbSNP rs748375299, ClinGen allele CA35862030.

ClinVar aggregate classification (germline): Likely benign (0 of 4 stars; one submission).

Conditions:
ASPM-related disorder. Also called: ASPM-related condition.

Allele frequency attached by ClinVar (database versions not stated): TOPMed below 0.00001.
gnomAD v4.1: 2 of 1,611,998 alleles (0.00012%); highest among the groups gnomAD compares: Non-Finnish European, 0.00017%; no homozygotes.

Submission:

PreventionGenetics, part of Exact Sciences
Classification: Likely benign for ASPM-related condition. Last evaluated: 2021-11-15. Review status: no assertion criteria provided. Collection method: clinical testing. Allele origin: germline.
Comment: This variant is classified as likely benign based on ACMG/AMP sequence variant interpretation guidelines (Richards et al. 2015 PMID: 25741868, with internal and published modifications).